The following is an entry in ClinVar:

ClinVar aggregate classification (germline): Uncertain significance. Review status: reviewed by expert panel (3 of 4 stars). 2 submissions from 2 submitters: Uncertain significance (1). 1 of the submissions does not count toward it. Last evaluated 2024-09-16.

Conditions:
Hereditary thrombocytopenia and hematological cancer predisposition syndrome associated with RUNX1. Also called: Familial Platelet Disorder with Propensity to Acute Myelogenous Leukemia; Familial thrombocytopenia with propensity to acute myelogenous leukemia; PLATELET DISORDER, ASPIRIN-LIKE; RUNX1 Familial Platelet Disorder with Associated Myeloid Malignancies. Identifiers: Orphanet 71290, MedGen C1832388, MeSH C563324, MONDO:0100083, OMIM 601399.
Hereditary thrombocytopenia and hematologic cancer predisposition syndrome. Identifiers: Orphanet 71290, MedGen CN281654, MONDO:0011071.

Submissions (2):

ClinGen Myeloid Malignancy Variant Curation Expert Panel
Classification: Uncertain significance for Hereditary thrombocytopenia and hematologic cancer predisposition syndrome. Last evaluated: 2024-09-16. Review status: reviewed by expert panel. Criteria: ClinGen MyeloMalig ACMG Specifications v2. Collection method: curation. Allele origin: germline. Inheritance: Autosomal dominant inheritance.
Comment: NM_001754.5(RUNX1):c.330_331delinsTT (p.Lys110_Thr111delinsAsnSer) is an in-frame deletion and insertion affects the following hotspot residue within the runt homology domain: K110 (PM4). This variant is completely absent from all population databases with at least 20x coverage for RUNX1 (PM2_Supporting). In summary, the clinical significance of this variant is uncertain. ACMG/AMP criteria applied, as specified by the Myeloid Malignancy Variant Curation Expert Panel for RUNX1: PM4, PM2_supporting.

Labcorp Genetics (formerly Invitae), Labcorp
Classification: Uncertain significance for Hereditary thrombocytopenia and hematological cancer predisposition syndrome associated with RUNX1. Last evaluated: 2023-03-18. Review status: criteria provided, single submitter. Criteria: Invitae Variant Classification Sherloc (09022015). Collection method: clinical testing. Allele origin: germline. Not counted in ClinVar's aggregate classification.
Comment: This variant, c.330_331delinsTT, is a complex sequence change that results in the deletion of 2 and insertion of 2 amino acid(s) in the RUNX1 protein (p.Lys110_Thr111delinsAsnSer). Information on the frequency of this variant in the gnomAD database is not available, as this variant may be reported differently in the database. This variant has not been reported in the literature in individuals affected with RUNX1-related conditions. Experimental studies and prediction algorithms are not available or were not evaluated, and the functional significance of this variant is currently unknown. In summary, the available evidence is currently insufficient to determine the role of this variant in disease. Therefore, it has been classified as a Variant of Uncertain Significance.

NM_001754.5(RUNX1):c.330_331delinsTT (p.Lys110_Thr111delinsAsnSer)

Gene: RUNX1 (RUNX family transcription factor 1; minus strand). Cytogenetic location: 21q22.12.
Variant type: Indel.
Coding change: c.330_331delinsTT on transcript NM_001754.5 (MANE Select); coding-DNA positions 330 to 331, GA replaced by TT.
Protein change: p.Lys110_Thr111delinsAsnSer.
Molecular consequence: missense variant.
Genome position (GRCh38, 1-based): chr21:34,886,863-34,886,864, TC replaced by AA on the plus strand (GA replaced by TT on the coding strand, the reverse complement: RUNX1 is on the minus strand). VCF-style: chr21-34886863-TC-AA. GRCh37 (hg19) VCF-style: chr21-36259160-TC-AA.
Other names: NM_001754.5(RUNX1):c.330_331delinsTT; p.Lys110_Thr111delinsAsnSer; c.249_250delinsTT, p.Lys83_Thr84delinsAsnSer (NM_001001890.3, NM_001122607.2).
Identifiers: ClinVar variation 2846862 (VCV002846862.4), dbSNP rs2517481882, ClinGen allele CA2739267618.